The following is an entry in ClinVar:

ClinVar aggregate classification (germline): Uncertain significance. Review status: criteria provided, multiple submitters, no conflicts (2 of 4 stars). 2 submissions from 2 submitters: Uncertain significance (2). Last evaluated 2024-01-22.

Conditions:
Ciliary dyskinesia, primary, 37 (CILD37). Also called: CILIARY DYSKINESIA, PRIMARY, 37, WITH OR WITHOUT SITUS INVERSUS. Identifiers: MedGen C4539798, MONDO:0033204, OMIM 617577.
Spermatogenic failure 18. Identifiers: MedGen C4539783, MONDO:0054615, OMIM 617576.

Allele frequency attached by ClinVar (database versions not stated): TOPMed below 0.00001; gnomAD exomes 0.00001.
gnomAD v4.1: 17 of 1,601,604 alleles (0.0011%); highest among the groups gnomAD compares: African/African-American, 0.0013%; no homozygotes.

Submissions (2):

Ambry Genetics
Classification: Uncertain significance. Last evaluated: 2024-01-22. Review status: criteria provided, single submitter. Criteria: Ambry Variant Classification Scheme 2023. Collection method: clinical testing. Allele origin: germline.

Labcorp Genetics (formerly Invitae), Labcorp
Classification: Uncertain significance for Ciliary dyskinesia, primary, 37; Spermatogenic failure 18. Last evaluated: 2021-11-22. Review status: criteria provided, single submitter. Criteria: Invitae Variant Classification Sherloc (09022015). Collection method: clinical testing. Allele origin: germline.
Comment: In summary, the available evidence is currently insufficient to determine the role of this variant in disease. Therefore, it has been classified as a Variant of Uncertain Significance. Algorithms developed to predict the effect of missense changes on protein structure and function are either unavailable or do not agree on the potential impact of this missense change (SIFT: "Deleterious"; PolyPhen-2: "Benign"; Align-GVGD: "Class C0"). This variant has not been reported in the literature in individuals affected with DNAH1-related conditions. The frequency data for this variant in the population databases is considered unreliable, as metrics indicate poor data quality at this position in the gnomAD database. This sequence change replaces arginine, which is basic and polar, with histidine, which is basic and polar, at codon 3041 of the DNAH1 protein (p.Arg3041His).

NM_015512.5(DNAH1):c.9122G>A (p.Arg3041His)

Gene: DNAH1 (dynein axonemal heavy chain 1; plus strand). Cytogenetic location: 3p21.1.
Variant type: single nucleotide variant.
Coding change: c.9122G>A on transcript NM_015512.5 (MANE Select); coding-DNA position 9122, G replaced by A.
Protein change: p.Arg3041His; replaces arginine 3041 with histidine.
Molecular consequence: missense variant.
Genome position (GRCh38, 1-based): chr3:52,388,285, G>A. VCF-style: chr3-52388285-G-A. GRCh37 (hg19) VCF-style: chr3-52422301-G-A.
Other names: c.9122G>A (NM_015512.4); short protein forms R3041H.
Identifiers: ClinVar variation 1480724 (VCV001480724.7), dbSNP rs546452557, ClinGen allele CA2435383.